The following is an entry in ClinVar:

ClinVar aggregate classification (germline): Uncertain significance (1 of 4 stars; one submission).

Submission:

Labcorp Genetics (formerly Invitae), Labcorp
Classification: Uncertain significance. Last evaluated: 2025-12-29. Review status: criteria provided, single submitter. Criteria: Invitae Variant Classification Sherloc (09022015). Collection method: clinical testing. Allele origin: germline.
Comment: This sequence change replaces alanine, which is neutral and non-polar, with threonine, which is neutral and polar, at codon 287 of the TUBB1 protein (p.Ala287Thr). This variant is not present in population databases (gnomAD no frequency). This variant has not been reported in the literature in individuals affected with TUBB1-related conditions. Invitae Evidence Modeling of protein sequence and biophysical properties (such as structural, functional, and spatial information, amino acid conservation, physicochemical variation, residue mobility, and thermodynamic stability) indicates that this missense variant is not expected to disrupt TUBB1 protein function with a negative predictive value of 80%. In summary, the available evidence is currently insufficient to determine the role of this variant in disease. Therefore, it has been classified as a Variant of Uncertain Significance.

NM_030773.4(TUBB1):c.859G>A (p.Ala287Thr)

Gene: TUBB1 (tubulin beta 1 class VI; plus strand). Cytogenetic location: 20q13.32.
Variant type: single nucleotide variant.
Coding change: c.859G>A on transcript NM_030773.4 (MANE Select); coding-DNA position 859, G replaced by A.
Protein change: p.Ala287Thr; replaces alanine 287 with threonine.
Molecular consequence: missense variant.
Genome position (GRCh38, 1-based): chr20:59,024,286, G>A. VCF-style: chr20-59024286-G-A. GRCh37 (hg19) VCF-style: chr20-57599341-G-A.
Other names: short protein forms A287T.
Identifiers: ClinVar variation 4807948 (VCV004807948.1).